The following is an entry in ClinVar:

NM_001161352.2(KCNMA1):c.687C>T (p.Phe229=)

Gene: KCNMA1 (potassium calcium-activated channel subfamily M alpha 1; minus strand). Cytogenetic location: 10q22.3.
Variant type: single nucleotide variant.
Coding change: c.687C>T on transcript NM_001161352.2 (MANE Select); coding-DNA position 687, C replaced by T.
Protein change: p.Phe229=; no amino-acid change (phenylalanine 229 retained).
Molecular consequence: synonymous variant.
Genome position (GRCh38, 1-based): chr10:77,184,832, G>A on the plus strand (C>T on the coding strand, the complement: KCNMA1 is on the minus strand). VCF-style: chr10-77184832-G-A. GRCh37 (hg19) VCF-style: chr10-78944590-G-A.
Other names: p.Phe229=; c.687C>T, p.Phe229= (NM_001014797.3, NM_001161353.2, NM_001271519.2 and 7 more transcripts); c.525C>T, p.Phe175= (NM_001271518.2); c.147C>T, p.Phe49= (NM_001322838.2).
Identifiers: ClinVar variation 129328 (VCV000129328.29), dbSNP rs1131824, ClinGen allele CA153283.

ClinVar aggregate classification (germline): Benign/Likely benign. Review status: criteria provided, multiple submitters, no conflicts (2 of 4 stars). 12 submissions from 10 submitters: Benign (10); Likely benign (1). 1 of the submissions does not count toward it. Last evaluated 2026-02-04.

Conditions:
Liang-Wang syndrome. Identifiers: Orphanet 664438, MedGen C5231479, MONDO:0032886, OMIM 618729.
Cerebellar atrophy, developmental delay, and seizures. Identifiers: MedGen C4539985, MONDO:0060551, OMIM 617643.
Generalized epilepsy-paroxysmal dyskinesia syndrome (PNKD3). Also called: Paroxysmal nonkinesigenic dyskinesia, 3, with or without generalized epilepsy; Generalized epilepsy and paroxysmal dyskinesia. Identifiers: Orphanet 79137, MedGen C5574945, MONDO:0012276, OMIM 609446.

Allele frequency attached by ClinVar (database versions not stated): gnomAD exomes 0.34756 and 0.35210; ExAC 0.36048; 1000 Genomes Project 0.40595; 1000 Genomes Project 30x 0.41334; gnomAD 0.42691 and 0.43499; TOPMed 0.42811; ESP Exome Variant Server 0.44933.
gnomAD v4.1: 575,043 of 1,600,698 alleles (36%); highest among the groups gnomAD compares: African/African-American, 63%; 108,354 homozygotes.

Submissions (12):

Labcorp Genetics (formerly Invitae), Labcorp
Classification: Benign for Generalized epilepsy-paroxysmal dyskinesia syndrome. Last evaluated: 2026-02-04. Review status: criteria provided, single submitter. Criteria: Invitae Variant Classification Sherloc (09022015). Collection method: clinical testing. Allele origin: germline.

Blueprint Genetics
Classification: Likely benign. Last evaluated: 2024-11-27. Review status: criteria provided, single submitter. Criteria: ACMG Guidelines, 2015. Collection method: clinical testing. Allele origin: germline.

Mayo Clinic Laboratories, Mayo Clinic
Classification: Benign. Last evaluated: 2021-11-29. Review status: criteria provided, single submitter. Criteria: ACMG Guidelines, 2015. Collection method: clinical testing. Allele origin: germline. Observed: 156 variant alleles.

Genome-Nilou Lab
Classification: Benign for Cerebellar atrophy, developmental delay, and seizures. Last evaluated: 2021-08-19. Review status: criteria provided, single submitter. Criteria: ACMG Guidelines, 2015. Collection method: clinical testing. Allele origin: germline. Affected: no.

Genome-Nilou Lab
Classification: Benign for Liang-Wang syndrome. Last evaluated: 2021-08-19. Review status: criteria provided, single submitter. Criteria: ACMG Guidelines, 2015. Collection method: clinical testing. Allele origin: germline. Affected: no.

Genome-Nilou Lab
Classification: Benign for Generalized epilepsy-paroxysmal dyskinesia syndrome. Last evaluated: 2021-08-19. Review status: criteria provided, single submitter. Criteria: ACMG Guidelines, 2015. Collection method: clinical testing. Allele origin: germline. Affected: no.

GeneDx
Classification: Benign. Last evaluated: 2018-07-17. Review status: criteria provided, single submitter. Criteria: GeneDx Variant Classification Process June 2021. Collection method: clinical testing. Allele origin: germline. Affected: yes.

Athena Diagnostics
Classification: Benign. Last evaluated: 2018-05-07. Review status: criteria provided, single submitter. Criteria: Athena Diagnostics Criteria. Collection method: clinical testing. Allele origin: germline.

Illumina Laboratory Services, Illumina
Classification: Benign for Generalized epilepsy-paroxysmal dyskinesia syndrome. Last evaluated: 2018-01-12. Review status: criteria provided, single submitter. Criteria: ICSL Variant Classification Criteria 13 December 2019. Collection method: clinical testing. Allele origin: germline.
Comment: This variant was observed in the ICSL laboratory as part of a predisposition screen in an ostensibly healthy population. It had not been previously curated by ICSL or reported in the Human Gene Mutation Database (HGMD: prior to June 1st, 2018), and was therefore a candidate for classification through an automated scoring system. Utilizing variant allele frequency, disease prevalence and penetrance estimates, and inheritance mode, an automated score was calculated to assess if this variant is too frequent to cause the disease. Based on the score and internal cut-off values, a variant classified as benign is not then subjected to further curation. The score for this variant resulted in a classification of benign for this disease.

Eurofins Ntd Llc (ga)
Classification: Benign. Last evaluated: 2014-02-28. Review status: criteria provided, single submitter. Criteria: EGL Classification Definitions 2015. Collection method: clinical testing. Allele origin: germline. Observed: 1 variant allele, 1 homozygote.

Breakthrough Genomics
Classification: Benign. Review status: criteria provided, single submitter. Criteria: ACMG Guidelines, 2015. Collection method: not provided. Allele origin: germline. Inheritance: Autosomal recessive inheritance. Affected: yes.

Genetic Services Laboratory, University of Chicago
Classification: Likely benign for AllHighlyPenetrant. Review status: no assertion criteria provided. Collection method: clinical testing. Allele origin: germline. Inheritance: Autosomal dominant inheritance. Not counted in ClinVar's aggregate classification.
Comment: Likely benign based on allele frequency in 1000 Genomes Project or ESP global frequency and its presence in a patient with a rare or unrelated disease phenotype. NOT Sanger confirmed.